The following is an entry in ClinVar:

ClinVar aggregate classification (germline): Uncertain significance (1 of 4 stars; one submission).

Conditions:
Menstrual cycle-dependent periodic fever. Identifiers: Orphanet 498251, MedGen C3553418, MONDO:0044660, OMIM 614674.

Submission:

Laboratorio de Genetica e Diagnostico Molecular, Hospital Israelita Albert Einstein
Classification: Uncertain significance for Menstrual cycle-dependent periodic fever. Last evaluated: 2022-12-02. Review status: criteria provided, single submitter. Criteria: ACMG Guidelines, 2015. Collection method: clinical testing. Allele origin: germline. Affected: yes.
Comment: ACMG classification criteria: PM2 moderated, PM4

NM_000524.4(HTR1A):c.980_1039del (p.Arg327_Thr346del)

Gene: HTR1A (5-hydroxytryptamine receptor 1A; minus strand). Cytogenetic location: 5q12.3.
Variant type: Deletion.
Coding change: c.980_1039del on transcript NM_000524.4 (MANE Select); coding-DNA positions 980 to 1039, 60 bases deleted.
Protein change: p.Arg327_Thr346del.
Molecular consequence: inframe deletion.
Genome position (GRCh38, 1-based): chr5:63,960,681-63,960,740, 60 bases deleted. GRCh37 (hg19): chr5:63,256,510-63,256,569.
Identifiers: ClinVar variation 2431430 (VCV002431430.2), dbSNP rs2530978515, ClinGen allele CA2580073368.